The following is an entry in ClinVar:

ClinVar aggregate classification (germline): Pathogenic (1 of 4 stars; one submission).

Conditions:
Familial thoracic aortic aneurysm and aortic dissection (TAAD). Also called: Thoracic aortic aneurysms and dissections. Identifiers: Orphanet 91387, MedGen C4707243, MONDO:0019625.
Marfan syndrome (MFS). Also called: Marfan syndrome type 1; Marfan's syndrome; Marfan syndrome, classic; MARFAN SYNDROME, TYPE I; FBN1-Related Marfan Syndrome. Identifiers: Orphanet 284963, Orphanet 558, MedGen C0024796, MONDO:0007947, OMIM 154700.

Submission:

Labcorp Genetics (formerly Invitae), Labcorp
Classification: Pathogenic for Marfan syndrome; Familial thoracic aortic aneurysm and aortic dissection. Last evaluated: 2023-09-01. Review status: criteria provided, single submitter. Criteria: Invitae Variant Classification Sherloc (09022015). Collection method: clinical testing. Allele origin: germline.
Comment: For these reasons, this variant has been classified as Pathogenic. ClinVar contains an entry for this variant (Variation ID: 1075849). This variant has not been reported in the literature in individuals affected with FBN1-related conditions. This variant is not present in population databases (gnomAD no frequency). This sequence change creates a premature translational stop signal (p.Cys2096Alafs*64) in the FBN1 gene. It is expected to result in an absent or disrupted protein product. Loss-of-function variants in FBN1 are known to be pathogenic (PMID: 17657824, 19293843).

Literature cited by the submitters: PubMed 17657824; PubMed 19293843.

NM_000138.5(FBN1):c.6285del (p.Cys2096fs)

Gene: FBN1 (fibrillin 1; minus strand). Cytogenetic location: 15q21.1.
Variant type: Deletion.
Coding change: c.6285del on transcript NM_000138.5 (MANE Select); coding-DNA position 6285, one base deleted (C; older notation c.6285delC).
Protein change: p.Cys2096fs; shifts the reading frame from cysteine 2096.
Molecular consequence: frameshift variant.
Genome position (GRCh38, 1-based): chr15:48,437,796, G deleted on the plus strand (C on the coding strand, the reverse complement: FBN1 is on the minus strand); the first of 4 consecutive G bases (chr15:48,437,796-48,437,799); deleting any one gives the same sequence. VCF-style (leftmost placement, unchanged base first): chr15-48437795-AG-A. GRCh37 (hg19) VCF-style: chr15-48729992-AG-A.
Other names: short protein forms C2096fs.
Identifiers: ClinVar variation 1075849 (VCV001075849.7), dbSNP rs2141241437, ClinGen allele CA2499222976.